The following is an entry in ClinVar:

NM_007254.4(PNKP):c.153G>A (p.Val51=)

Gene: PNKP (polynucleotide kinase 3'-phosphatase; minus strand). Cytogenetic location: 19q13.33.
Variant type: single nucleotide variant.
Coding change: c.153G>A on transcript NM_007254.4 (MANE Select); coding-DNA position 153, G replaced by A.
Protein change: p.Val51=; no amino-acid change (valine 51 retained).
Molecular consequence: synonymous variant.
Genome position (GRCh38, 1-based): chr19:49,866,444, C>T on the plus strand (G>A on the coding strand, the complement: PNKP is on the minus strand). VCF-style: chr19-49866444-C-T. GRCh37 (hg19) VCF-style: chr19-50369701-C-T.
Identifiers: ClinVar variation 1346168 (VCV001346168.3), dbSNP rs2074821167, ClinGen allele CA508136597.

ClinVar aggregate classification (germline): Uncertain significance (1 of 4 stars; one submission).

Conditions:
Developmental and epileptic encephalopathy, 12 (DEE12). Identifiers: MedGen C3150988, MONDO:0013389, OMIM 613722.

Allele frequency attached by ClinVar (database versions not stated): gnomAD exomes below 0.00001; TOPMed below 0.00001.
gnomAD v4.1: 1 of 1,614,180 alleles (0.000062%); highest among the groups gnomAD compares: South Asian, 0.0011%; no homozygotes.

Submission:

Labcorp Genetics (formerly Invitae), Labcorp
Classification: Uncertain significance for Developmental and epileptic encephalopathy, 12. Last evaluated: 2022-06-19. Review status: criteria provided, single submitter. Criteria: Invitae Variant Classification Sherloc (09022015). Collection method: clinical testing. Allele origin: germline.
Comment: This sequence change affects codon 51 of the PNKP mRNA. It is a 'silent' change, meaning that it does not change the encoded amino acid sequence of the PNKP protein. This variant is not present in population databases (gnomAD no frequency). This variant has not been reported in the literature in individuals affected with PNKP-related conditions. Algorithms developed to predict the effect of sequence changes on RNA splicing suggest that this variant may disrupt the consensus splice site. In summary, the available evidence is currently insufficient to determine the role of this variant in disease. Therefore, it has been classified as a Variant of Uncertain Significance.